The following is an entry in ClinVar:

NM_003073.5(SMARCB1):c.758T>C (p.Ile253Thr)

Gene: SMARCB1 (SWI/SNF related BAF chromatin remodeling complex subunit B1; plus strand). Cytogenetic location: 22q11.23.
Variant type: single nucleotide variant.
Coding change: c.758T>C on transcript NM_003073.5 (MANE Select); coding-DNA position 758, T replaced by C.
Protein change: p.Ile253Thr; replaces isoleucine 253 with threonine.
Molecular consequence: missense variant.
Genome position (GRCh38, 1-based): chr22:23,816,899, T>C. VCF-style: chr22-23816899-T-C. GRCh37 (hg19) VCF-style: chr22-24159086-T-C.
Other names: c.731T>C, p.Ile244Thr (NM_001007468.3); c.785T>C, p.Ile262Thr (NM_001317946.2); c.812T>C, p.Ile271Thr (NM_001362877.2); c.758T>C (NM_003073.3); short protein forms I244T, I271T, I253T, I262T.
Identifiers: ClinVar variation 1400604 (VCV001400604.9), dbSNP rs2146010326, ClinGen allele CA410901745.

ClinVar aggregate classification (germline): Uncertain significance. Review status: criteria provided, multiple submitters, no conflicts (2 of 4 stars). 2 submissions from 2 submitters: Uncertain significance (2). Last evaluated 2024-06-16.

Conditions:
Hereditary cancer-predisposing syndrome. Also called: Hereditary Cancer Syndrome; Hereditary neoplastic syndrome; Tumor predisposition; Neoplastic Syndromes, Hereditary. Identifiers: Orphanet 140162, MedGen C0027672, MeSH D009386, MONDO:0015356.

Submissions (2):

Ambry Genetics
Classification: Uncertain significance for Hereditary cancer-predisposing syndrome. Last evaluated: 2024-06-16. Review status: criteria provided, single submitter. Criteria: Ambry Variant Classification Scheme 2023. Collection method: clinical testing. Allele origin: germline.
Comment: The p.I253T variant (also known as c.758T>C), located in coding exon 6 of the SMARCB1 gene, results from a T to C substitution at nucleotide position 758. The isoleucine at codon 253 is replaced by threonine, an amino acid with similar properties. This amino acid position is conserved. In addition, the in silico prediction for this alteration is inconclusive. Based on the available evidence, the clinical significance of this variant remains unclear.

Labcorp Genetics (formerly Invitae), Labcorp
Classification: Uncertain significance. Last evaluated: 2021-04-16. Review status: criteria provided, single submitter. Criteria: Invitae Variant Classification Sherloc (09022015). Collection method: clinical testing. Allele origin: germline.
Comment: This variant has not been reported in the literature in individuals with SMARCB1-related conditions. This variant is not present in population databases (ExAC no frequency). This sequence change replaces isoleucine with threonine at codon 253 of the SMARCB1 protein (p.Ile253Thr). The isoleucine residue is moderately conserved and there is a moderate physicochemical difference between isoleucine and threonine. Algorithms developed to predict the effect of missense changes on protein structure and function (SIFT, PolyPhen-2, Align-GVGD) all suggest that this variant is likely to be tolerated, but these predictions have not been confirmed by published functional studies and their clinical significance is uncertain. In summary, the available evidence is currently insufficient to determine the role of this variant in disease. Therefore, it has been classified as a Variant of Uncertain Significance.